The following is an entry in ClinVar:

NM_199420.4(POLQ):c.94C>A (p.Gln32Lys)

Genes: POLQ (DNA polymerase theta; minus strand), LOC112872292 (Sharpr-MPRA regulatory region 30; plus strand). Cytogenetic location: 3q13.33.
Variant type: single nucleotide variant.
Coding change: c.94C>A on transcript NM_199420.4 (MANE Select); coding-DNA position 94, C replaced by A.
Protein change: p.Gln32Lys; replaces glutamine 32 with lysine.
Molecular consequence: missense variant.
Genome position (GRCh38, 1-based): chr3:121,545,784, G>T on the plus strand (C>A on the coding strand, the complement: POLQ is on the minus strand). VCF-style: chr3-121545784-G-T. GRCh37 (hg19) VCF-style: chr3-121264631-G-T.
Other names: short protein forms Q32K.
Identifiers: ClinVar variation 1767159 (VCV001767159.3), dbSNP rs996357445, ClinGen allele CA81838162.

ClinVar aggregate classification (germline): Uncertain significance (1 of 4 stars; one submission).

Allele frequency attached by ClinVar (database versions not stated): gnomAD 0.00001; TOPMed 0.00002.
gnomAD v4.1: 5 of 1,610,320 alleles (0.00031%); highest among the groups gnomAD compares: Non-Finnish European, 0.00034%; no homozygotes.

Submission:

Ambry Genetics
Classification: Uncertain significance. Last evaluated: 2024-11-14. Review status: criteria provided, single submitter. Criteria: Ambry Variant Classification Scheme 2023. Collection method: clinical testing. Allele origin: germline.
Comment: The p.Q32K variant (also known as c.94C>A), located in coding exon 1 of the POLQ gene, results from a C to A substitution at nucleotide position 94. The glutamine at codon 32 is replaced by lysine, an amino acid with similar properties. This amino acid position is conserved. In addition, this alteration is predicted to be tolerated by in silico analysis. Since supporting evidence is limited at this time, the clinical significance of this alteration remains unclear.